The following is an entry in ClinVar:

NM_152564.5(VPS13B):c.11390A>G (p.Tyr3797Cys)

Gene: VPS13B (vacuolar protein sorting 13 homolog B; plus strand). Cytogenetic location: 8q22.2.
Variant type: single nucleotide variant.
Coding change: c.11390A>G on transcript NM_152564.5 (MANE Select); coding-DNA position 11390, A replaced by G.
Protein change: p.Tyr3797Cys; replaces tyrosine 3797 with cysteine.
Molecular consequence: missense variant.
Genome position (GRCh38, 1-based): chr8:99,868,463, A>G. VCF-style: chr8-99868463-A-G. GRCh37 (hg19) VCF-style: chr8-100880691-A-G.
Other names: c.11465A>G, p.Tyr3822Cys (NM_017890.5); short protein forms Y3822C, Y3797C.
Identifiers: ClinVar variation 3702370 (VCV003702370.2).

ClinVar aggregate classification (germline): Uncertain significance (1 of 4 stars; one submission).

Conditions:
Cohen syndrome (COH1). Also called: Cutis verticis gyrata, retinitis pigmentosa, and sensorineural deafness; PEPPER SYNDROME. Identifiers: Orphanet 193, MedGen C0265223, MONDO:0008999, OMIM 216550.

gnomAD v4.1: 3 of 1,609,856 alleles (0.00019%); highest among the groups gnomAD compares: Non-Finnish European, 0.00025%; no homozygotes.

Submission:

Labcorp Genetics (formerly Invitae), Labcorp
Classification: Uncertain significance for Cohen syndrome. Last evaluated: 2025-08-20. Review status: criteria provided, single submitter. Criteria: Invitae Variant Classification Sherloc (09022015). Collection method: clinical testing. Allele origin: germline.
Comment: This sequence change replaces tyrosine, which is neutral and polar, with cysteine, which is neutral and slightly polar, at codon 3822 of the VPS13B protein (p.Tyr3822Cys). This variant is present in population databases (no rsID available, gnomAD no frequency). This variant has not been reported in the literature in individuals affected with VPS13B-related conditions. ClinVar contains an entry for this variant (Variation ID: 3702370). An algorithm developed to predict the effect of missense changes on protein structure and function (PolyPhen-2) suggests that this variant is likely to be disruptive. In summary, the available evidence is currently insufficient to determine the role of this variant in disease. Therefore, it has been classified as a Variant of Uncertain Significance.